The following is an entry in ClinVar:

NM_021096.4(CACNA1I):c.4945G>A (p.Glu1649Lys)

Gene: CACNA1I (calcium voltage-gated channel subunit alpha1 I; plus strand). Cytogenetic location: 22q13.1.
Variant type: single nucleotide variant.
Coding change: c.4945G>A on transcript NM_021096.4 (MANE Select); coding-DNA position 4945, G replaced by A.
Protein change: p.Glu1649Lys; replaces glutamic acid 1649 with lysine.
Molecular consequence: missense variant.
Genome position (GRCh38, 1-based): chr22:39,677,998, G>A. VCF-style: chr22-39677998-G-A. GRCh37 (hg19) VCF-style: chr22-40074003-G-A.
Other names: c.4840G>A, p.Glu1614Lys (NM_001003406.2); short protein forms E1614K, E1649K.
Identifiers: ClinVar variation 2633005 (VCV002633005.1), dbSNP rs761593460, ClinGen allele CA10244882.

ClinVar aggregate classification (germline): Uncertain significance (1 of 4 stars; one submission).

Conditions:
CACNA1I-related disorder. Also called: CACNA1I-related condition.

Allele frequency attached by ClinVar (database versions not stated): gnomAD 0.00001; ExAC 0.00002.

Submission:

PreventionGenetics, part of Exact Sciences
Classification: Uncertain significance for CACNA1I-related condition. Last evaluated: 2023-04-21. Review status: criteria provided, single submitter. Criteria: ACMG Guidelines, 2015. Collection method: clinical testing. Allele origin: germline.
Comment: The CACNA1I c.4945G>A variant is predicted to result in the amino acid substitution p.Glu1649Lys. To our knowledge, this variant has not been reported in the literature. This variant is reported in 0.0038% of alleles in individuals of South Asian descent in gnomAD. At this time, the clinical significance of this variant is uncertain due to the absence of conclusive functional and genetic evidence.